The following is an entry in ClinVar:

ClinVar aggregate classification (germline): Uncertain significance (1 of 4 stars; one submission).

Conditions:
Neuronal ceroid lipofuscinosis 1 (CLN1). Also called: CEROID LIPOFUSCINOSIS, NEURONAL, 1, VARIABLE AGE AT ONSET; PPT1-Related Neuronal Ceroid-Lipofuscinosis. Identifiers: Orphanet 228329, MedGen C1850451, MONDO:0009744, OMIM 256730.
Progressive myoclonic epilepsy type 3. Also called: EPILEPSY, PROGRESSIVE MYOCLONIC, 3, WITH OR WITHOUT INTRACELLULAR INCLUSIONS; CEROID LIPOFUSCINOSIS, NEURONAL, 14; KCTD7-Related Progressive Myoclonic Epilepsy; EPILEPSY, PROGRESSIVE MYOCLONIC, 3, WITHOUT INTRACELLULAR INCLUSIONS. Identifiers: Orphanet 263516, MedGen C2673257, MONDO:0012721, OMIM 611726.

Allele frequency attached by ClinVar (database versions not stated): TOPMed below 0.00001; gnomAD 0.00001.

Submission:

Labcorp Genetics (formerly Invitae), Labcorp
Classification: Uncertain significance for Progressive myoclonic epilepsy type 3. Last evaluated: 2023-12-22. Review status: criteria provided, single submitter. Criteria: Invitae Variant Classification Sherloc (09022015). Collection method: clinical testing. Allele origin: germline.
Comment: This sequence change replaces alanine, which is neutral and non-polar, with proline, which is neutral and non-polar, at codon 41 of the KCTD7 protein (p.Ala41Pro). This variant is not present in population databases (gnomAD no frequency). This variant has not been reported in the literature in individuals affected with KCTD7-related conditions. ClinVar contains an entry for this variant (Variation ID: 1400114). An algorithm developed to predict the effect of missense changes on protein structure and function (PolyPhen-2) suggests that this variant¬†is likely to be tolerated. In summary, the available evidence is currently insufficient to determine the role of this variant in disease. Therefore, it has been classified as a Variant of Uncertain Significance.

NM_153033.5(KCTD7):c.121G>C (p.Ala41Pro)

Genes: KCTD7 (potassium channel tetramerization domain containing 7; plus strand), LOC129998533 (ATAC-STARR-seq lymphoblastoid silent region 18210; plus strand). Cytogenetic location: 7q11.21.
Variant type: single nucleotide variant.
Coding change: c.121G>C on transcript NM_153033.5 (MANE Select); coding-DNA position 121, G replaced by C.
Protein change: p.Ala41Pro; replaces alanine 41 with proline.
Molecular consequence: missense variant.
Genome position (GRCh38, 1-based): chr7:66,629,185, G>C. VCF-style: chr7-66629185-G-C. GRCh37 (hg19) VCF-style: chr7-66094172-G-C.
Other names: c.121G>C, p.Ala41Pro (NM_001167961.2); c.121G>C (NM_153033.4); short protein forms A41P.
Identifiers: ClinVar variation 1400114 (VCV001400114.8), dbSNP rs766856368, ClinGen allele CA367695374.
Genomic context (GRCh38, chr7:66,629,185, plus strand): 5'-TCTGACGCCGAAGACGACTTTCTGGAGCCGGCCACGCCGACGGCCACGCAGGCGGGGCAC[G>C]CGCTGCCCCTGCTGCCACAGGAGGTACCCGGGCGGGCGGCGGGCCGCGGGGCGTGGGGAG-3'
Protein context (NP_694578.1, residues 31-51): ATPTATQAGH[Ala41Pro]LPLLPQEFPE